The following is an entry in ClinVar:

NM_002693.3(POLG):c.3482G>C (p.Arg1161Thr)

Gene: POLG (DNA polymerase gamma, catalytic subunit; minus strand). Cytogenetic location: 15q26.1.
Variant type: single nucleotide variant.
Coding change: c.3482G>C on transcript NM_002693.3 (MANE Select); coding-DNA position 3482, G replaced by C.
Protein change: p.Arg1161Thr; replaces arginine 1161 with threonine.
Molecular consequence: missense variant.
Genome position (GRCh38, 1-based): chr15:89,318,541, C>G on the plus strand (G>C on the coding strand, the complement: POLG is on the minus strand). VCF-style: chr15-89318541-C-G. GRCh37 (hg19) VCF-style: chr15-89861772-C-G.
Other names: c.3482G>C, p.Arg1161Thr (NM_001126131.2); short protein forms R1161T.
Identifiers: ClinVar variation 2179954 (VCV002179954.4), dbSNP rs2509201565, ClinGen allele CA393749643.

ClinVar aggregate classification (germline): Uncertain significance (1 of 4 stars; one submission).

Conditions:
Progressive sclerosing poliodystrophy (MTDPS4A). Also called: Mitochondrial DNA depletion syndrome 4A (Alpers type); ALPERS PROGRESSIVE INFANTILE POLIODYSTROPHY; NEURONAL DEGENERATION OF CHILDHOOD WITH LIVER DISEASE, PROGRESSIVE; Alpers Syndrome; ALPERS DIFFUSE DEGENERATION OF CEREBRAL GRAY MATTER WITH HEPATIC CIRRHOSIS; Alpers-Huttenlocher Syndrome. Identifiers: Orphanet 726, MedGen C0205710, MONDO:0008758, OMIM 203700.

Submission:

Labcorp Genetics (formerly Invitae), Labcorp
Classification: Uncertain significance for Progressive sclerosing poliodystrophy. Last evaluated: 2022-06-08. Review status: criteria provided, single submitter. Criteria: Invitae Variant Classification Sherloc (09022015). Collection method: clinical testing. Allele origin: germline.
Comment: In summary, the available evidence is currently insufficient to determine the role of this variant in disease. Therefore, it has been classified as a Variant of Uncertain Significance. Variants that disrupt the consensus splice site are a relatively common cause of aberrant splicing (PMID: 17576681, 9536098). Algorithms developed to predict the effect of sequence changes on RNA splicing suggest that this variant may create or strengthen a splice site. Algorithms developed to predict the effect of missense changes on protein structure and function are either unavailable or do not agree on the potential impact of this missense change (SIFT: "Deleterious"; PolyPhen-2: "Probably Damaging"; Align-GVGD: "Class C0"). This variant has not been reported in the literature in individuals affected with POLG-related conditions. This variant is not present in population databases (gnomAD no frequency). This sequence change replaces arginine, which is basic and polar, with threonine, which is neutral and polar, at codon 1161 of the POLG protein (p.Arg1161Thr). This variant also falls at the last nucleotide of exon 21, which is part of the consensus splice site for this exon.

Literature cited by the submitters: PubMed 17576681; PubMed 9536098.